The following is an entry in ClinVar:

NM_001111125.3(IQSEC2):c.804del (p.Tyr269fs)

Gene: IQSEC2 (IQ motif and Sec7 domain ArfGEF 2; minus strand). Cytogenetic location: Xp11.22.
Variant type: Deletion.
Coding change: c.804del on transcript NM_001111125.3 (MANE Select); coding-DNA position 804, one base deleted (C; older notation c.804delC).
Protein change: p.Tyr269fs; shifts the reading frame from tyrosine 269.
Molecular consequence: frameshift variant.
Genome position (GRCh38, 1-based): chrX:53,255,995, G deleted on the plus strand (C on the coding strand, the reverse complement: IQSEC2 is on the minus strand); the first of 6 consecutive G bases (chrX:53,255,995-53,256,000); deleting any one gives the same sequence. VCF-style (leftmost placement, unchanged base first): chrX-53255994-AG-A. GRCh37 (hg19) VCF-style: chrX-53285176-AG-A.
Other names: c.189del, p.Tyr64fs (NM_015075.2); c.804del (NM_001111125.1); short protein forms Y64fs, Y269fs.
Identifiers: ClinVar variation 280241 (VCV000280241.19), dbSNP rs886041481, ClinGen allele CA10603504.
Genomic context (GRCh38, chrX:53,255,994, plus strand): 5'-CCACTCCAGCAGGGGGGCCCCCCATGTGGCTGCTGGAGGGGGGCAGCTGGCTCAGCCGGT[AG>A]GGGGGTTGGCTCCCAGGACTATCAACCGCTGTGCTCAGGTCACTGCCTGGGGCATCACCC-3'

ClinVar aggregate classification (germline): Pathogenic. Review status: criteria provided, multiple submitters, no conflicts (2 of 4 stars). 6 submissions from 6 submitters: Pathogenic (4). 2 of the submissions do not count toward it. Last evaluated 2022-06-29.

Conditions:
Severe intellectual deficiency.
Inborn genetic diseases. Identifiers: MedGen C0950123, MeSH D030342.
NEURODEVELOPMENTAL DISORDER, X-LINKED, WITH POOR OR ABSENT SPEECH AND BEHAVIORAL ABNORMALITIES (NEDXSB). Identifiers: MedGen CN381607, OMIM 301164.
Intellectual developmental disorder, X-linked 1. Also called: MENTAL RETARDATION, X-LINKED 18; MENTAL RETARDATION, X-LINKED 78; Atkin Flaitz Patil Smith syndrome; Intellectual disability, X-linked 1. Identifiers: Orphanet 777, MedGen C2931498, MONDO:0010656, OMIM 309530.

Submissions (6):

GeneDx
Classification: Pathogenic. Last evaluated: 2022-06-29. Review status: criteria provided, single submitter. Criteria: GeneDx Variant Classification Process June 2021. Collection method: clinical testing. Allele origin: germline. Affected: yes.
Comment: Frameshift variant predicted to result in protein truncation or nonsense mediated decay in a gene for which loss of function is a known mechanism of disease; Not observed at significant frequency in large population cohorts (gnomAD); This variant is associated with the following publications: (PMID: 30206421, 25356970, 26795593, 28815955, 29100083)

Greenwood Genetic Center Diagnostic Laboratories, Greenwood Genetic Center
Classification: Pathogenic for Intellectual developmental disorder, X-linked 1. Last evaluated: 2021-09-07. Review status: criteria provided, single submitter. Criteria: ACMG Guidelines, 2015. Collection method: clinical testing. Allele origin: germline. Affected: yes.
Comment: PVS1, PS4, PM2, PM6

Labcorp Genetics (formerly Invitae), Labcorp
Classification: Pathogenic for Intellectual developmental disorder, X-linked 1. Last evaluated: 2018-08-05. Review status: criteria provided, single submitter. Criteria: Invitae Variant Classification Sherloc (09022015). Collection method: clinical testing. Allele origin: germline.
Comment: This sequence change creates a premature translational stop signal (p.Tyr269Thrfs*3) in the IQSEC2 gene. It is expected to result in an absent or disrupted protein product. This variant is not present in population databases (ExAC no frequency). This variant has been observed to be de novo in an individual affected with seizures and intellectual disability (PMID: 28815955). ClinVar contains an entry for this variant (Variation ID: 280241). Loss-of-function variants in IQSEC2 are known to be pathogenic (PMID: 21686261, 26793055, 27665735). For these reasons, this variant has been classified as Pathogenic.

Ambry Genetics
Classification: Pathogenic for Inborn genetic diseases. Last evaluated: 2016-06-27. Review status: criteria provided, single submitter. Criteria: Ambry exome assertion method (8-5-2015). Collection method: clinical testing. Allele origin: germline. Affected: yes. Observed: 1 variant allele.

OMIM
Classification: Pathogenic for NEURODEVELOPMENTAL DISORDER, X-LINKED, WITH POOR OR ABSENT SPEECH AND BEHAVIORAL ABNORMALITIES. Last evaluated: 2026-04-15. Review status: no assertion criteria provided. Collection method: literature only. Allele origin: germline. Not counted in ClinVar's aggregate classification.

Laboratory of Molecular Genetics, CHU Rennes
Classification: Likely pathogenic for Severe intellectual deficiency. Review status: no assertion criteria provided. Collection method: clinical testing. Allele origin: de novo. Affected: yes. Not counted in ClinVar's aggregate classification.

Literature cited by the submitters: PubMed 28815955 (cited by Labcorp Genetics (formerly Invitae), Labcorp); PubMed 21686261 (cited by Labcorp Genetics (formerly Invitae), Labcorp); PubMed 26793055 (cited by Labcorp Genetics (formerly Invitae), Labcorp); PubMed 27665735 (cited by Labcorp Genetics (formerly Invitae), Labcorp); PubMed 30206421 (cited by OMIM).